The following is an entry in ClinVar:

ClinVar aggregate classification (germline): Uncertain significance (1 of 4 stars; one submission).

Conditions:
Inborn genetic diseases. Identifiers: MedGen C0950123, MeSH D030342.

Submission:

Ambry Genetics
Classification: Uncertain significance for Inborn genetic diseases. Last evaluated: 2026-03-13. Review status: criteria provided, single submitter. Criteria: Ambry Variant Classification Scheme 2023. Collection method: clinical testing. Allele origin: germline.
Comment: The c.62_64delCCAinsT (p.T21Ifs*17) alteration, located in exon 1 (coding exon 1) of the PHKA1 gene, consists of a deletion of CCA from nucleotide positions 62-64 and an insertion of T causing a translational frameshift with a predicted alternate stop codon after 17 amino acids. The predicted stop codon occurs in the 5&rsquo; end of the PHKA1 gene. Premature termination codons in the 5&rsquo; end of a gene have been reported to escape nonsense-mediated mRNA decay and/or lead to re-initiation (Rivas, 2015; Lindeboom, 2016; Rhee, 2017). The exact functional effect of this variant is unknown. This variant was not reported in population-based cohorts in the Genome Aggregation Database (gnomAD). Based on insufficient or conflicting evidence, the clinical significance of this alteration remains unclear.

NM_002637.4(PHKA1):c.62_64delinsT (p.Thr21fs)

Gene: PHKA1 (phosphorylase kinase regulatory subunit alpha 1; minus strand). Cytogenetic location: Xq13.1.
Variant type: Indel.
Coding change: c.62_64delinsT on transcript NM_002637.4 (MANE Select); coding-DNA positions 62 to 64, CCA replaced by T.
Protein change: p.Thr21fs; shifts the reading frame from threonine 21.
Molecular consequence: frameshift variant.
Genome position (GRCh38, 1-based): chrX:72,713,817-72,713,819, TGG replaced by A on the plus strand (CCA replaced by T on the coding strand, the reverse complement: PHKA1 is on the minus strand). VCF-style: chrX-72713817-TGG-A. GRCh37 (hg19) VCF-style: chrX-71933665-TGG-A.
Other names: c.62_64delinsT, p.Thr21fs (NM_001122670.2, NM_001172436.2, NM_001431068.1 and 2 more transcripts); short protein forms T21fs.
Identifiers: ClinVar variation 4840586 (VCV004840586.1).